The following is an entry in ClinVar:

ClinVar aggregate classification (germline): Pathogenic (1 of 4 stars; one submission).

Conditions:
Bloom syndrome (BLM). Also called: Bloom-Torre-Machacek syndrome. Identifiers: Orphanet 125, MedGen C0005859, MONDO:0008876, OMIM 210900.

Submission:

Labcorp Genetics (formerly Invitae), Labcorp
Classification: Pathogenic for Bloom syndrome. Last evaluated: 2024-12-19. Review status: criteria provided, single submitter. Criteria: Invitae Variant Classification Sherloc (09022015). Collection method: clinical testing. Allele origin: germline.
Comment: This sequence change creates a premature translational stop signal (p.Lys31*) in the BLM gene. It is expected to result in an absent or disrupted protein product. Loss-of-function variants in BLM are known to be pathogenic (PMID: 17407155). This variant is not present in population databases (gnomAD no frequency). This variant has not been reported in the literature in individuals affected with BLM-related conditions. Algorithms developed to predict the effect of sequence changes on RNA splicing suggest that this variant may disrupt the consensus splice site. For these reasons, this variant has been classified as Pathogenic.

Literature cited by the submitters: PubMed 17407155.

NM_000057.4(BLM):c.91A>T (p.Lys31Ter)

Gene: BLM (BLM RecQ like helicase; plus strand). Cytogenetic location: 15q26.1.
Variant type: single nucleotide variant.
Coding change: c.91A>T on transcript NM_000057.4 (MANE Select); coding-DNA position 91, A replaced by T.
Protein change: p.Lys31Ter; replaces lysine 31 with a stop codon.
Molecular consequence: nonsense. On other transcripts: 5 prime UTR variant (1).
Genome position (GRCh38, 1-based): chr15:90,747,483, A>T. VCF-style: chr15-90747483-A-T. GRCh37 (hg19) VCF-style: chr15-91290713-A-T.
Other names: c.91A>T, p.Lys31Ter (NM_001287246.2, NM_001287247.2); c.-1201A>T (NM_001287248.2); short protein forms K31*.
Identifiers: ClinVar variation 3727651 (VCV003727651.2).